The following is an entry in ClinVar:

NM_004260.4(RECQL4):c.2465G>C (p.Gly822Ala)

Gene: RECQL4 (RecQ like helicase 4; minus strand). Cytogenetic location: 8q24.3.
Variant type: single nucleotide variant.
Coding change: c.2465G>C on transcript NM_004260.4 (MANE Select); coding-DNA position 2465, G replaced by C.
Protein change: p.Gly822Ala; replaces glycine 822 with alanine.
Molecular consequence: missense variant. On other transcripts: non-coding transcript variant (3).
Genome position (GRCh38, 1-based): chr8:144,513,137, C>G on the plus strand (G>C on the coding strand, the complement: RECQL4 is on the minus strand). VCF-style: chr8-144513137-C-G. GRCh37 (hg19) VCF-style: chr8-145738520-C-G.
Other names: c.2465G>C, p.Gly822Ala (NM_001413019.1, NM_001413036.1); c.2369G>C, p.Gly790Ala (NM_001413020.1); c.1394G>C, p.Gly465Ala (NM_001413021.1, NM_001413022.1, NM_001413023.1 and 5 more transcripts); c.2336G>C, p.Gly779Ala (NM_001413025.1); c.1328G>C, p.Gly443Ala (NM_001413027.1, NM_001413041.1, NM_001413030.1 and 1 more transcripts); c.2171G>C, p.Gly724Ala (NM_001413017.1); c.2267G>C, p.Gly756Ala (NM_001413018.1); c.2435G>C, p.Gly812Ala (NM_001413039.1); and 6 more; short protein forms G443A, G465A, G756A, G778A, G333A, G779A, G790A, G812A.
Identifiers: ClinVar variation 2585119 (VCV002585119.1), dbSNP rs760858692, ClinGen allele CA4948230.
Genomic context (GRCh38, chr8:144,513,137, plus strand): 5'-ACAGCCAGGAAGTCCGTGCTGTCGGCGTGCACATGTCTGCGCAGCTCTCGCAGGTCTTCG[C>G]CCTGCAGGGCAACTTTCATGAGGGTGGGGTGGACCACTGGGGGCTCGAGCACTGGCAGTG-3'
Protein context (NP_004251.4, residues 812-832): AHCHLFLQPQ[Gly822Ala]EDLRELRRHV

ClinVar aggregate classification (germline): Uncertain significance (1 of 4 stars; one submission).

Conditions:
Baller-Gerold syndrome (BGS). Also called: CRANIOSYNOSTOSIS WITH RADIAL DEFECTS. Identifiers: Orphanet 1225, MedGen C0265308, MONDO:0009039, OMIM 218600.

Allele frequency attached by ClinVar (database versions not stated): gnomAD exomes below 0.00001; ExAC 0.00002.
gnomAD v4.1: 1 of 1,560,794 alleles (0.000064%); highest among the groups gnomAD compares: South Asian, 0.0012%; no homozygotes.

Submission:

Neuberg Centre For Genomic Medicine, NCGM
Classification: Uncertain significance for Baller-Gerold syndrome. Review status: criteria provided, single submitter. Criteria: ACMG Guidelines, 2015. Collection method: clinical testing. Allele origin: germline. Inheritance: Autosomal recessive inheritance. Affected: yes.
Comment: The missense variant in c.2465G>C(p.Gly822Ala) in RECQL4 gene has not been reported previously as a pathogenic variant nor as a benign variant, to our knowledge. The p.Gly822Ala variant is novel (not in any individuals) in 1000 Genomes and has allele frequency of 0.0005% in gnomAD database. This variant has not been reported to the ClinVar database. The amino acid change p.Gly822Ala in RECQL4 is predicted as conserved by GERP++ and PhyloP across 100 vertebrates. The amino acid Gly at position 822 is changed to a Ala changing protein sequence and it might alter its composition and physico-chemical properties. For these reasons, this variant has been classified as Uncertain Significance (VUS).